The following is an entry in ClinVar:

ClinVar aggregate classification (germline): Likely pathogenic (1 of 4 stars; one submission).

Conditions:
Karyomegalic interstitial nephritis. Identifiers: Orphanet 401996, MedGen C3553774, MONDO:0013898, OMIM 614817.

Allele frequency attached by ClinVar (database versions not stated): gnomAD exomes below 0.00001.
gnomAD v4.1: 2 of 1,613,322 alleles (0.00012%); highest among the groups gnomAD compares: Non-Finnish European, 0.00017%; no homozygotes.

Submission:

Victorian Clinical Genetics Services, Murdoch Childrens Research Institute
Classification: Likely pathogenic for Karyomegalic interstitial nephritis. Last evaluated: 2018-08-22. Review status: criteria provided, single submitter. Criteria: ACMG Guidelines, 2015. Collection method: clinical testing. Allele origin: unknown. Affected: yes.
Comment: A homozygous nonsense variant, NM_014967.4(FAN1):c.2086C>T, has been identified in exon 8 of 15 of the FAN1 gene (NB: alternative transcripts show this variant to be noncoding). The variant is predicted to result in a premature stop codon at position 696 of the protein (NP_055782.3(FAN1):p.(Gln696*)), likely causing non-sense mediated decay. This variant is predicted to result in loss of protein function through nonsense-mediated decay, which is a reported mechanism of pathogenicity for this gene. However, truncation of the protein, including the loss of VRR_NUC conserved domain, as a result of an NMD-escape mechanism has not been excluded. The variant is absent in population databases (gnomAD, dbSNP, 1000G). This variant has not been previously reported in clinical cases. Based on the information available at the time of curation, this variant has been classified as LIKELY PATHOGENIC.

NM_014967.5(FAN1):c.2086C>T (p.Gln696Ter)

Genes: FAN1 (FANCD2 and FANCI associated nuclease 1; plus strand), MTMR10 (myotubularin related protein 10; minus strand). Cytogenetic location: 15q13.3.
Variant type: single nucleotide variant.
Coding change: c.2086C>T on transcript NM_014967.5 (MANE Select); coding-DNA position 2086, C replaced by T.
Protein change: p.Gln696Ter; replaces glutamine 696 with a stop codon.
Molecular consequence: nonsense.
Genome position (GRCh38, 1-based): chr15:30,922,268, C>T. VCF-style: chr15-30922268-C-T. GRCh37 (hg19) VCF-style: chr15-31214471-C-T.
Other names: short protein forms Q696*.
Identifiers: ClinVar variation 975079 (VCV000975079.3), dbSNP rs2062351829, ClinGen allele CA391514165.
Genomic context (GRCh38, chr15:30,922,268, plus strand): 5'-GAGGTTTCTTTGTTATTGTTGCAATAGGAAGCCGTCAGAGAACTTGAAAGCCTTTTGTCT[C>T]AGAGAATTTATTGTCCTGACAGCAGAGGCCGATGGTGGGATCGACTGGCCCTTAATTTAC-3'